The following is an entry in ClinVar:

NM_152468.5(TMC8):c.1552_1554del (p.Ser518del)

Gene: TMC8 (transmembrane channel like 8; plus strand). Cytogenetic location: 17q25.3.
Variant type: Deletion.
Coding change: c.1552_1554del on transcript NM_152468.5 (MANE Select); coding-DNA positions 1552 to 1554, 3 bases deleted (TCC; older notation c.1552_1554delTCC).
Protein change: p.Ser518del; deletes serine 518.
Molecular consequence: inframe deletion.
Genome position (GRCh38, 1-based): chr17:78,138,367-78,138,369, TCC deleted; deleting any 3 consecutive bases within chr17:78,138,366-78,138,369 gives the same sequence; the c. name uses the placement nearest the transcript's 3' end. VCF-style (leftmost placement, unchanged base first): chr17-78138365-ACTC-A. GRCh37 (hg19) VCF-style: chr17-76134446-ACTC-A.
Other names: short protein forms S518del.
Identifiers: ClinVar variation 1018215 (VCV001018215.9), dbSNP rs2075290050, ClinGen allele CA2276818013.

ClinVar aggregate classification (germline): Uncertain significance (1 of 4 stars; one submission).

Conditions:
Epidermodysplasia verruciformis. Identifiers: Orphanet 302, MedGen C0014522, MONDO:0009176.

Submission:

Labcorp Genetics (formerly Invitae), Labcorp
Classification: Uncertain significance for Epidermodysplasia verruciformis. Last evaluated: 2020-03-04. Review status: criteria provided, single submitter. Criteria: Invitae Variant Classification Sherloc (09022015). Collection method: clinical testing. Allele origin: germline.
Comment: This variant, c.1552_1554del, results in the deletion of 1 amino acid(s) of the TMC8 protein (p.Ser518del), but otherwise preserves the integrity of the reading frame. This variant is not present in population databases (ExAC no frequency). This variant has not been reported in the literature in individuals with TMC8-related conditions. Experimental studies and prediction algorithms are not available or were not evaluated, and the functional significance of this variant is currently unknown. In summary, the available evidence is currently insufficient to determine the role of this variant in disease. Therefore, it has been classified as a Variant of Uncertain Significance.